The following is an entry in ClinVar:

ClinVar aggregate classification (germline): Uncertain significance (1 of 4 stars; one submission).

Conditions:
Cardiomyopathy (CMYO). Also called: Cardiomyopathies. Identifiers: Orphanet 167848, MedGen C0878544, MONDO:0004994, HP:0001638. Inheritance: Various modes of inheritance.

Allele frequency attached by ClinVar (database versions not stated): gnomAD exomes below 0.00001.
gnomAD v4.1: 1 of 1,480,222 alleles (0.000068%); highest among the groups gnomAD compares: Admixed American, 0.0022%; no homozygotes.

Submission:

Color Diagnostics, LLC DBA Color Health
Classification: Uncertain significance for Cardiomyopathy. Last evaluated: 2024-03-07. Review status: criteria provided, single submitter. Criteria: ACMG Guidelines, 2015. Collection method: clinical testing. Allele origin: germline.
Comment: This missense variant replaces asparagine with serine at codon 2802 of the RYR2 protein. Computational prediction suggests that this variant may not impact protein structure and function (internally defined REVEL score threshold <= 0.5, PMID: 27666373). To our knowledge, functional studies have not been reported for this variant. This variant has not been reported in individuals affected with RYR2-related disorders in the literature. This variant has been identified in 1/132800 chromosomes in the general population by the Genome Aggregation Database (gnomAD). The available evidence is insufficient to determine the role of this variant in disease conclusively. Therefore, this variant is classified as a Variant of Uncertain Significance.

NM_001035.3(RYR2):c.8405A>G (p.Asn2802Ser)

Gene: RYR2 (ryanodine receptor 2; plus strand). Cytogenetic location: 1q43.
Variant type: single nucleotide variant.
Coding change: c.8405A>G on transcript NM_001035.3 (MANE Select); coding-DNA position 8405, A replaced by G.
Protein change: p.Asn2802Ser; replaces asparagine 2802 with serine.
Molecular consequence: missense variant.
Genome position (GRCh38, 1-based): chr1:237,660,916, A>G. VCF-style: chr1-237660916-A-G. GRCh37 (hg19) VCF-style: chr1-237824216-A-G.
Other names: short protein forms N2802S.
Identifiers: ClinVar variation 2774345 (VCV002774345.2), dbSNP rs1354532439, ClinGen allele CA345401964.